The following is an entry in ClinVar:

ClinVar aggregate classification (germline): Uncertain significance (1 of 4 stars; one submission).

Conditions:
Hereditary cancer-predisposing syndrome. Also called: Tumor predisposition; Hereditary Cancer Syndrome; Hereditary neoplastic syndrome; Neoplastic Syndromes, Hereditary. Identifiers: Orphanet 140162, MedGen C0027672, MeSH D009386, MONDO:0015356.

Allele frequency attached by ClinVar (database versions not stated): gnomAD exomes 0.00001.
gnomAD v4.1: 3 of 1,609,234 alleles (0.00019%); highest among the groups gnomAD compares: East Asian, 0.0067%; no homozygotes.

Submission:

Ambry Genetics
Classification: Uncertain significance for Hereditary cancer-predisposing syndrome. Last evaluated: 2023-06-25. Review status: criteria provided, single submitter. Criteria: Ambry Variant Classification Scheme 2023. Collection method: clinical testing. Allele origin: germline.
Comment: The p.S279L variant (also known as c.836C>T), located in coding exon 8 of the SDHB gene, results from a C to T substitution at nucleotide position 836. The serine at codon 279 is replaced by leucine, an amino acid with dissimilar properties. This amino acid position is conserved. In addition, the in silico prediction for this alteration is inconclusive. Since supporting evidence is limited at this time, the clinical significance of this alteration remains unclear.

NM_003000.3(SDHB):c.836C>T (p.Ser279Leu)

Gene: SDHB (succinate dehydrogenase complex iron sulfur subunit B; minus strand). Cytogenetic location: 1p36.13.
Variant type: single nucleotide variant.
Coding change: c.836C>T on transcript NM_003000.3 (MANE Select); coding-DNA position 836, C replaced by T.
Protein change: p.Ser279Leu; replaces serine 279 with leucine.
Molecular consequence: missense variant.
Genome position (GRCh38, 1-based): chr1:17,018,888, G>A on the plus strand (C>T on the coding strand, the complement: SDHB is on the minus strand). VCF-style: chr1-17018888-G-A. GRCh37 (hg19) VCF-style: chr1-17345383-G-A.
Other names: c.782C>T, p.Ser261Leu (NM_001407361.1); short protein forms S261L, S279L.
Identifiers: ClinVar variation 2619609 (VCV002619609.2), dbSNP rs2077945744, ClinGen allele CA338268642.